The following is an entry in ClinVar:

NM_000257.4(MYH7):c.997G>A (p.Asp333Asn)

Gene: MYH7 (myosin heavy chain 7; minus strand). Cytogenetic location: 14q11.2.
Variant type: single nucleotide variant.
Coding change: c.997G>A on transcript NM_000257.4 (MANE Select); coding-DNA position 997, G replaced by A.
Protein change: p.Asp333Asn; replaces aspartic acid 333 with asparagine.
Molecular consequence: missense variant.
Genome position (GRCh38, 1-based): chr14:23,430,562, C>T on the plus strand (G>A on the coding strand, the complement: MYH7 is on the minus strand). VCF-style: chr14-23430562-C-T. GRCh37 (hg19) VCF-style: chr14-23899771-C-T.
Other names: short protein forms D333N.
Identifiers: ClinVar variation 1315689 (VCV001315689.6), dbSNP rs2138679083, ClinGen allele CA389051591.

ClinVar aggregate classification (germline): Uncertain significance. Review status: criteria provided, multiple submitters, no conflicts (2 of 4 stars). 2 submissions from 2 submitters: Uncertain significance (2). Last evaluated 2023-07-31.

Conditions:
Hypertrophic cardiomyopathy. Also called: HYPERTROPHIC MYOCARDIOPATHY. Identifiers: Orphanet 217569, MedGen C0007194, MeSH D002312, MONDO:0005045, HP:0001639.

Submissions (2):

Labcorp Genetics (formerly Invitae), Labcorp
Classification: Uncertain significance for Hypertrophic cardiomyopathy. Last evaluated: 2023-07-31. Review status: criteria provided, single submitter. Criteria: Invitae Variant Classification Sherloc (09022015). Collection method: clinical testing. Allele origin: germline.
Comment: In summary, the available evidence is currently insufficient to determine the role of this variant in disease. Therefore, it has been classified as a Variant of Uncertain Significance. An algorithm developed to predict the effect of missense changes on protein structure and function (PolyPhen-2) suggests that this variant is likely to be disruptive. ClinVar contains an entry for this variant (Variation ID: 1315689). This variant has not been reported in the literature in individuals affected with MYH7-related conditions. This variant is not present in population databases (gnomAD no frequency). This sequence change replaces aspartic acid, which is acidic and polar, with asparagine, which is neutral and polar, at codon 333 of the MYH7 protein (p.Asp333Asn).

GeneDx
Classification: Uncertain significance. Last evaluated: 2023-05-30. Review status: criteria provided, single submitter. Criteria: GeneDx Variant Classification Process June 2021. Collection method: clinical testing. Allele origin: germline. Affected: yes.
Comment: Has not been previously published as pathogenic or benign to our knowledge; Not observed in large population cohorts (gnomAD); In silico analysis, which includes protein predictors and evolutionary conservation, supports a deleterious effect; This variant is associated with the following publications: (PMID: 27532257, 29300372)